The following is an entry in ClinVar:

ClinVar aggregate classification (germline): Likely benign. Review status: criteria provided, multiple submitters, no conflicts (2 of 4 stars). 4 submissions from 4 submitters: Likely benign (4). Last evaluated 2025-12-11.

Conditions:
FGFR2-related craniosynostosis. Identifiers: MedGen CN231480.

Allele frequency attached by ClinVar (database versions not stated): gnomAD 0.00001; gnomAD exomes 0.00003 and 0.00011; ExAC 0.00006; TOPMed 0.00006.
gnomAD v4.1: 46 of 1,614,088 alleles (0.0028%); highest among the groups gnomAD compares: Middle Eastern, 0.066%; no homozygotes.

Submissions (4):

Labcorp Genetics (formerly Invitae), Labcorp
Classification: Likely benign for FGFR2-related craniosynostosis. Last evaluated: 2025-12-11. Review status: criteria provided, single submitter. Criteria: Invitae Variant Classification Sherloc (09022015). Collection method: clinical testing. Allele origin: germline.

Blueprint Genetics
Classification: Likely benign. Last evaluated: 2024-10-25. Review status: criteria provided, single submitter. Criteria: ACMG Guidelines, 2015. Collection method: clinical testing. Allele origin: germline.

CeGaT Center for Human Genetics Tuebingen
Classification: Likely benign. Last evaluated: 2022-05-01. Review status: criteria provided, single submitter. Criteria: CeGaT Center For Human Genetics Tuebingen Variant Classification Criteria Version 2. Collection method: clinical testing. Allele origin: germline. Affected: yes. Observed: 1 variant allele.
Comment: FGFR2: BP4, BP7

GeneDx
Classification: Likely benign. Last evaluated: 2018-04-02. Review status: criteria provided, single submitter. Criteria: GeneDx Variant Classification (06012015). Collection method: clinical testing. Allele origin: germline. Affected: yes.
Comment: This variant is considered likely benign or benign based on one or more of the following criteria: it is a conservative change, it occurs at a poorly conserved position in the protein, it is predicted to be benign by multiple in silico algorithms, and/or has population frequency not consistent with disease.

NM_000141.5(FGFR2):c.234C>T (p.His78=)

Gene: FGFR2 (fibroblast growth factor receptor 2; minus strand). Cytogenetic location: 10q26.13.
Variant type: single nucleotide variant.
Coding change: c.234C>T on transcript NM_000141.5 (MANE Select); coding-DNA position 234, C replaced by T.
Protein change: p.His78=; no amino-acid change (histidine 78 retained).
Molecular consequence: synonymous variant. On other transcripts: intron variant (9).
Genome position (GRCh38, 1-based): chr10:121,565,580, G>A on the plus strand (C>T on the coding strand, the complement: FGFR2 is on the minus strand). VCF-style: chr10-121565580-G-A. GRCh37 (hg19) VCF-style: chr10-123325094-G-A.
Other names: c.110-1001C>T (NM_023029.3, NM_001441088.1, NM_001144915.2 and 2 more transcripts); c.110-14121C>T (NM_001144916.2, NM_001144918.2, NM_001441091.1 and 1 more transcripts); c.234C>T, p.His78= (NM_001144913.1, NM_001144914.1, NM_001144917.2 and 3 more transcripts).
Identifiers: ClinVar variation 681595 (VCV000681595.34), dbSNP rs778093907, ClinGen allele CA5721190.
Genomic context (GRCh38, chr10:121,565,580, plus strand): 5'-CGTGGCGCCCTTTATCTGCAAGTACTCCCCAATAAGCACTGTCCTATTGTTGGGCCCCAA[G>A]TGCACCCCATCCTTAGTCCAACTGATCACGGCGGCATCTTTCAACAGGCAGCGCACCTCT-3'
Protein context (NP_000132.3, residues 68-88): AVISWTKDGV[His78=]LGPNNRTVLI